The following is an entry in ClinVar:

NM_001384732.1(CPLANE1):c.1122-2A>G

Gene: CPLANE1 (ciliogenesis and planar polarity effector complex subunit 1; minus strand). Cytogenetic location: 5p13.2.
Variant type: single nucleotide variant.
Coding change: c.1122-2A>G on transcript NM_001384732.1 (MANE Select); the canonical splice acceptor site of the intron before coding-DNA position 1122, A replaced by G.
Molecular consequence: splice acceptor variant.
Genome position (GRCh38, 1-based): chr5:37,227,819, T>C on the plus strand (A>G on the coding strand, the complement: CPLANE1 is on the minus strand). VCF-style: chr5-37227819-T-C. GRCh37 (hg19) VCF-style: chr5-37227921-T-C.
Other names: c.1122-2A>G (NM_023073.4).
Identifiers: ClinVar variation 2501247 (VCV002501247.1), dbSNP rs2548609966, ClinGen allele CA359506905.
Genomic context (GRCh38, chr5:37,227,819, plus strand): 5'-TATCAGAAGCTGATGAATCAACAGAATTATTTGAATCTTGAAACGTAAACTGCTGTGGTC[T>C]AGTAAACAAACATCAAAATACAAGAATCAGTAAGAGAAAGATCTTACGGAAAACAATAAT-3'

ClinVar aggregate classification (germline): Likely pathogenic (1 of 4 stars; one submission).

Conditions:
Joubert syndrome and related disorders. Identifiers: Orphanet 140874, MedGen C5679612, MONDO:0015369.

Submission:

Women's Health and Genetics/Laboratory Corporation of America, LabCorp
Classification: Likely pathogenic for Joubert syndrome and related disorders. Last evaluated: 2023-03-22. Review status: criteria provided, single submitter. Criteria: LabCorp Variant Classification Summary - May 2015. Collection method: clinical testing. Allele origin: germline.
Comment: Variant summary: CPLANE1 c.1122-2A>G affects a conserved nucleotide located in a canonical splice-site and is predicted to affect mRNA splicing resulting in a significantly altered protein due to either exon skipping, shortening, or inclusion of intronic material. Two in-silico tools predict that this variant affects splicing. The variant was absent in 143662 control chromosomes (gnomAD. To our knowledge, no occurrence of c.1122-2A>G in individuals affected with Joubert Syndrome and Related Disorders and no experimental evidence demonstrating its impact on protein function have been reported. No clinical diagnostic laboratories have submitted clinical-significance assessments for this variant to ClinVar after 2014. Based on the evidence outlined above, the variant was classified as likely pathogenic.